The following is an entry in ClinVar:

ClinVar aggregate classification (germline): Uncertain significance. Review status: criteria provided, multiple submitters, no conflicts (2 of 4 stars). 2 submissions from 2 submitters: Uncertain significance (2). Last evaluated 2022-02-18.

Conditions:
Neutral lipid storage myopathy (NLSDM). Also called: NEUTRAL LIPID STORAGE DISEASE WITHOUT ICHTHYOSIS. Identifiers: Orphanet 98908, MedGen C1853136, MONDO:0012545, OMIM 610717.

Allele frequency attached by ClinVar (database versions not stated): ExAC 0.00002.
gnomAD v4.1: 11 of 1,614,038 alleles (0.00068%); highest among the groups gnomAD compares: Non-Finnish European, 0.00093%; no homozygotes.

Submissions (2):

Labcorp Genetics (formerly Invitae), Labcorp
Classification: Uncertain significance for Neutral lipid storage myopathy. Last evaluated: 2022-02-18. Review status: criteria provided, single submitter. Criteria: Invitae Variant Classification Sherloc (09022015). Collection method: clinical testing. Allele origin: germline.
Comment: In summary, the available evidence is currently insufficient to determine the role of this variant in disease. Therefore, it has been classified as a Variant of Uncertain Significance. Algorithms developed to predict the effect of missense changes on protein structure and function are either unavailable or do not agree on the potential impact of this missense change (SIFT: "Deleterious"; PolyPhen-2: "Possibly Damaging"; Align-GVGD: "Class C15"). ClinVar contains an entry for this variant (Variation ID: 882924). This variant has not been reported in the literature in individuals affected with PNPLA2-related conditions. This variant is present in population databases (rs773938209, gnomAD 0.002%). This sequence change replaces arginine, which is basic and polar, with cysteine, which is neutral and slightly polar, at codon 217 of the PNPLA2 protein (p.Arg217Cys).

Illumina Laboratory Services, Illumina
Classification: Uncertain significance for Neutral lipid storage myopathy. Last evaluated: 2018-01-13. Review status: criteria provided, single submitter. Criteria: ICSL Variant Classification Criteria 13 December 2019. Collection method: clinical testing. Allele origin: germline.

NM_020376.4(PNPLA2):c.649C>T (p.Arg217Cys)

Gene: PNPLA2 (patatin like domain 2, triacylglycerol lipase; plus strand). Cytogenetic location: 11p15.5.
Variant type: single nucleotide variant.
Coding change: c.649C>T on transcript NM_020376.4 (MANE Select); coding-DNA position 649, C replaced by T.
Protein change: p.Arg217Cys; replaces arginine 217 with cysteine.
Molecular consequence: missense variant.
Genome position (GRCh38, 1-based): chr11:822,559, C>T. VCF-style: chr11-822559-C-T. GRCh37 (hg19) VCF-style: chr11-822559-C-T.
Other names: short protein forms R217C.
Identifiers: ClinVar variation 882924 (VCV000882924.8), dbSNP rs773938209, ClinGen allele CA5791076.